The following is an entry in ClinVar:

ClinVar aggregate classification (germline): Uncertain significance. Review status: criteria provided, multiple submitters, no conflicts (2 of 4 stars). 3 submissions from 3 submitters: Uncertain significance (3). Last evaluated 2024-11-02.

Conditions:
Hereditary nonpolyposis colorectal neoplasms. Identifiers: MedGen C0009405, MeSH D003123.
Hereditary cancer-predisposing syndrome. Also called: Hereditary Cancer Syndrome; Hereditary neoplastic syndrome; Neoplastic Syndromes, Hereditary; Tumor predisposition. Identifiers: Orphanet 140162, MedGen C0027672, MeSH D009386, MONDO:0015356.

Submissions (3):

Women's Health and Genetics/Laboratory Corporation of America, LabCorp
Classification: Uncertain significance. Last evaluated: 2024-11-02. Review status: criteria provided, single submitter. Criteria: LabCorp Variant Classification Summary - May 2015. Collection method: clinical testing. Allele origin: germline.

Labcorp Genetics (formerly Invitae), Labcorp
Classification: Uncertain significance for Hereditary nonpolyposis colorectal neoplasms. Last evaluated: 2023-06-16. Review status: criteria provided, single submitter. Criteria: Invitae Variant Classification Sherloc (09022015). Collection method: clinical testing. Allele origin: germline.
Comment: Advanced modeling of protein sequence and biophysical properties (such as structural, functional, and spatial information, amino acid conservation, physicochemical variation, residue mobility, and thermodynamic stability) performed at Invitae indicates that this missense variant is not expected to disrupt MSH6 protein function. ClinVar contains an entry for this variant (Variation ID: 1768455). This variant has not been reported in the literature in individuals affected with MSH6-related conditions. This variant is not present in population databases (gnomAD no frequency). This sequence change replaces isoleucine, which is neutral and non-polar, with threonine, which is neutral and polar, at codon 329 of the MSH6 protein (p.Ile329Thr). In summary, the available evidence is currently insufficient to determine the role of this variant in disease. Therefore, it has been classified as a Variant of Uncertain Significance.

Ambry Genetics
Classification: Uncertain significance for Hereditary cancer-predisposing syndrome. Last evaluated: 2020-06-02. Review status: criteria provided, single submitter. Criteria: Ambry Variant Classification Scheme 2023. Collection method: clinical testing. Allele origin: germline.
Comment: The p.I329T variant (also known as c.986T>C), located in coding exon 4 of the MSH6 gene, results from a T to C substitution at nucleotide position 986. The isoleucine at codon 329 is replaced by threonine, an amino acid with similar properties. This amino acid position is not well conserved in available vertebrate species. In addition, the in silico prediction for this alteration is inconclusive. Since supporting evidence is limited at this time, the clinical significance of this alteration remains unclear.

NM_000179.3(MSH6):c.986T>C (p.Ile329Thr)

Gene: MSH6 (mutS homolog 6; plus strand). Cytogenetic location: 2p16.3.
Variant type: single nucleotide variant.
Coding change: c.986T>C on transcript NM_000179.3 (MANE Select); coding-DNA position 986, T replaced by C.
Protein change: p.Ile329Thr; replaces isoleucine 329 with threonine.
Molecular consequence: missense variant.
Genome position (GRCh38, 1-based): chr2:47,798,969, T>C. VCF-style: chr2-47798969-T-C. GRCh37 (hg19) VCF-style: chr2-48026108-T-C.
Other names: c.596T>C, p.Ile199Thr (NM_001281492.2); c.80T>C, p.Ile27Thr (NM_001281493.2, NM_001281494.2, NM_001406811.1 and 6 more transcripts); c.1082T>C, p.Ile361Thr (NM_001406795.1, NM_001406802.1); c.986T>C, p.Ile329Thr (NM_001406796.1, NM_001406798.1, NM_001406800.1 and 4 more transcripts); c.689T>C, p.Ile230Thr (NM_001406797.1, NM_001406801.1, NM_001406805.1 and 10 more transcripts); c.461T>C, p.Ile154Thr (NM_001406799.1, NM_001406806.1, NM_001406807.1); c.908T>C, p.Ile303Thr (NM_001406804.1); c.992T>C, p.Ile331Thr (NM_001406813.1); and 1 more; short protein forms I154T, I27T, I329T, I361T, I199T, I303T, I230T, I273T.
Identifiers: ClinVar variation 1768455 (VCV001768455.6), dbSNP rs2104311241, ClinGen allele CA346741074.
Genomic context (GRCh38, chr2:47,798,969, plus strand): 5'-CTCTTAAAAGGAAAAGCTCTAGGAAGGAAACGCCCTCAGCCACCAAACAAGCAACTAGCA[T>C]TTCATCAGAAACCAAGAATACTTTGAGAGCTTTCTCTGCCCCTCAAAATTCTGAATCCCA-3'
Protein context (NP_000170.1, residues 319-339): TPSATKQATS[Ile329Thr]SSETKNTLRA